The following is an entry in ClinVar:

ClinVar aggregate classification (germline): Pathogenic. Review status: criteria provided, multiple submitters, no conflicts (2 of 4 stars). 2 submissions from 2 submitters: Pathogenic (2). Last evaluated 2022-09-27.

Conditions:
Bethlem myopathy 1A. Also called: MYOPATHY, BENIGN CONGENITAL, WITH CONTRACTURES; Bethlem myopathy 1; Bethlem Muscular Dystrophy. Identifiers: Orphanet 610, MedGen CN029274, MONDO:0024530, OMIM 158810.

Allele frequency attached by ClinVar (database versions not stated): ExAC 0.00001; gnomAD exomes 0.00001 and below 0.00001; TOPMed below 0.00001.
gnomAD v4.1: 5 of 1,614,172 alleles (0.00031%); highest among the groups gnomAD compares: Admixed American, 0.0017%; no homozygotes.

Submissions (2):

Labcorp Genetics (formerly Invitae), Labcorp
Classification: Pathogenic for Bethlem myopathy 1A. Last evaluated: 2022-09-27. Review status: criteria provided, single submitter. Criteria: Invitae Variant Classification Sherloc (09022015). Collection method: clinical testing. Allele origin: germline.
Comment: ClinVar contains an entry for this variant (Variation ID: 500906). For these reasons, this variant has been classified as Pathogenic. This variant has not been reported in the literature in individuals affected with COL6A3-related conditions. This variant is present in population databases (rs781043870, gnomAD 0.004%). This sequence change creates a premature translational stop signal (p.Arg1456*) in the COL6A3 gene. It is expected to result in an absent or disrupted protein product. Loss-of-function variants in COL6A3 are known to be pathogenic (PMID: 26004199).

Eurofins Ntd Llc (ga)
Classification: Pathogenic. Last evaluated: 2017-03-23. Review status: criteria provided, single submitter. Criteria: EGL Classification Definitions 2015. Collection method: clinical testing. Allele origin: germline. Observed: 1 variant allele, 1 heterozygote.

Literature cited by the submitters: PubMed 26004199 (cited by Labcorp Genetics (formerly Invitae), Labcorp).

NM_004369.4(COL6A3):c.4366C>T (p.Arg1456Ter)

Gene: COL6A3 (collagen type VI alpha 3 chain; minus strand). Cytogenetic location: 2q37.3.
Variant type: single nucleotide variant.
Coding change: c.4366C>T on transcript NM_004369.4 (MANE Select); coding-DNA position 4366, C replaced by T.
Protein change: p.Arg1456Ter; replaces arginine 1456 with a stop codon.
Molecular consequence: nonsense.
Genome position (GRCh38, 1-based): chr2:237,369,097, G>A on the plus strand (C>T on the coding strand, the complement: COL6A3 is on the minus strand). VCF-style: chr2-237369097-G-A. GRCh37 (hg19) VCF-style: chr2-238277740-G-A.
Other names: c.2545C>T, p.Arg849Ter (NM_057166.5); c.3748C>T, p.Arg1250Ter (NM_057167.4); short protein forms R1456*, R849*, R1250*.
Identifiers: ClinVar variation 500906 (VCV000500906.10), dbSNP rs781043870, ClinGen allele CA2188910.